The following is an entry in ClinVar:

ClinVar aggregate classification (germline): Pathogenic (1 of 4 stars; one submission).

gnomAD v4.1: 2 of 1,611,562 alleles (0.00012%); highest among the groups gnomAD compares: South Asian, 0.0022%; no homozygotes.

Submission:

GeneDx
Classification: Pathogenic. Last evaluated: 2026-09-01. Review status: criteria provided, single submitter. Criteria: GeneDx Variant Classification Process June 2021. Collection method: clinical testing. Allele origin: germline.
Comment: Canonical splice site variant predicted to result in a null allele in a gene for which loss of function is a known mechanism of disease; Not observed at significant frequency in large population cohorts (gnomAD); Has not been previously published as pathogenic or benign to our knowledge

NM_001382391.1(CSPP1):c.1827+1G>T

Gene: CSPP1 (centrosome and spindle pole associated protein 1; plus strand). Cytogenetic location: 8q13.2.
Variant type: single nucleotide variant.
Coding change: c.1827+1G>T on transcript NM_001382391.1 (MANE Select); the canonical splice donor site of the intron after coding-DNA position 1827, G replaced by T.
Molecular consequence: splice donor variant.
Genome position (GRCh38, 1-based): chr8:67,132,081, G>T. VCF-style: chr8-67132081-G-T. GRCh37 (hg19) VCF-style: chr8-68044316-G-T.
Other names: c.1785+1G>T (NM_001363132.2); c.1746+1G>T (NM_001363131.2); c.1704+1G>T (NM_001363133.2); c.1893+1G>T (NM_001364869.1); c.1812+1G>T (NM_024790.7, NM_001438331.1, NM_001438330.1); c.1713+1G>T (NM_001364870.1); c.1281+1G>T (NM_001438332.1); c.930+1G>T (NM_001291339.2).
Identifiers: ClinVar variation 3774985 (VCV003774985.2).